The following is an entry in ClinVar:

NM_018671.5(UNC45A):c.1823A>G (p.Lys608Arg)

Gene: UNC45A (unc-45 myosin chaperone A; plus strand). Cytogenetic location: 15q26.1.
Variant type: single nucleotide variant.
Coding change: c.1823A>G on transcript NM_018671.5 (MANE Select); coding-DNA position 1823, A replaced by G.
Protein change: p.Lys608Arg; replaces lysine 608 with arginine.
Molecular consequence: missense variant.
Genome position (GRCh38, 1-based): chr15:90,948,739, A>G. VCF-style: chr15-90948739-A-G. GRCh37 (hg19) VCF-style: chr15-91491969-A-G.
Other names: c.1778A>G, p.Lys593Arg (NM_001039675.2, NM_001323621.2); c.1823A>G, p.Lys608Arg (NM_001323619.1); c.1388A>G, p.Lys463Arg (NM_001323620.2); short protein forms K593R, K463R, K608R.
Identifiers: ClinVar variation 1984312 (VCV001984312.4), dbSNP rs771112612, ClinGen allele CA7743073.

ClinVar aggregate classification (germline): Uncertain significance (1 of 4 stars; one submission).

Allele frequency attached by ClinVar (database versions not stated): gnomAD exomes 0.00001; ExAC 0.00002.
gnomAD v4.1: 10 of 1,613,830 alleles (0.00062%); highest among the groups gnomAD compares: Non-Finnish European, 0.00085%; no homozygotes.

Submission:

Labcorp Genetics (formerly Invitae), Labcorp
Classification: Uncertain significance. Last evaluated: 2022-03-14. Review status: criteria provided, single submitter. Criteria: Invitae Variant Classification Sherloc (09022015). Collection method: clinical testing. Allele origin: germline.
Comment: In summary, the available evidence is currently insufficient to determine the role of this variant in disease. Therefore, it has been classified as a Variant of Uncertain Significance. Algorithms developed to predict the effect of missense changes on protein structure and function are either unavailable or do not agree on the potential impact of this missense change (SIFT: "Not Available"; PolyPhen-2: "Benign"; Align-GVGD: "Not Available"). This variant has not been reported in the literature in individuals affected with UNC45A-related conditions. The frequency data for this variant in the population databases is considered unreliable, as metrics indicate poor data quality at this position in the gnomAD database. This sequence change replaces lysine, which is basic and polar, with arginine, which is basic and polar, at codon 608 of the UNC45A protein (p.Lys608Arg).